The following is an entry in ClinVar:

ClinVar aggregate classification (germline): Uncertain significance (1 of 4 stars; one submission).

Conditions:
Hereditary cancer-predisposing syndrome. Also called: Neoplastic Syndromes, Hereditary; Tumor predisposition; Hereditary Cancer Syndrome; Hereditary neoplastic syndrome. Identifiers: Orphanet 140162, MedGen C0027672, MeSH D009386, MONDO:0015356.

Submission:

Ambry Genetics
Classification: Uncertain significance for Hereditary cancer-predisposing syndrome. Last evaluated: 2021-05-20. Review status: criteria provided, single submitter. Criteria: Ambry Variant Classification Scheme 2023. Collection method: clinical testing. Allele origin: germline.
Comment: The p.L2368W variant (also known as c.7103T>G), located in coding exon 13 of the BRCA2 gene, results from a T to G substitution at nucleotide position 7103. The leucine at codon 2368 is replaced by tryptophan, an amino acid with similar properties. This amino acid position is not well conserved in available vertebrate species. In addition, the in silico prediction for this alteration is inconclusive. Since supporting evidence is limited at this time, the clinical significance of this alteration remains unclear.

NM_000059.4(BRCA2):c.7103T>G (p.Leu2368Trp)

Gene: BRCA2 (BRCA2 DNA repair associated; plus strand). Cytogenetic location: 13q13.1.
Variant type: single nucleotide variant.
Coding change: c.7103T>G on transcript NM_000059.4 (MANE Select); coding-DNA position 7103, T replaced by G.
Protein change: p.Leu2368Trp; replaces leucine 2368 with tryptophan.
Molecular consequence: missense variant.
Genome position (GRCh38, 1-based): chr13:32,354,956, T>G. VCF-style: chr13-32354956-T-G. GRCh37 (hg19) VCF-style: chr13-32929093-T-G.
Other names: c.7007T>G, p.Leu2336Trp (NM_001406719.1); c.7103T>G, p.Leu2368Trp (NM_001406720.1); c.2171T>G, p.Leu724Trp (NM_001406721.1); c.686T>G, p.Leu229Trp (NM_001406722.1); short protein forms L2336W, L2368W, L229W, L724W.
Identifiers: ClinVar variation 1757195 (VCV001757195.2), dbSNP rs1593917796, ClinGen allele CA387738576.